The following is an entry in ClinVar:

NM_139027.6(ADAMTS13):c.3357G>A (p.Pro1119=)

Gene: ADAMTS13 (ADAM metallopeptidase with thrombospondin type 1 motif 13; plus strand). Cytogenetic location: 9q34.2.
Variant type: single nucleotide variant.
Coding change: c.3357G>A on transcript NM_139027.6 (MANE Select); coding-DNA position 3357, G replaced by A.
Protein change: p.Pro1119=; no amino-acid change (proline 1119 retained).
Molecular consequence: synonymous variant. On other transcripts: non-coding transcript variant (1).
Genome position (GRCh38, 1-based): chr9:133,455,392, G>A. VCF-style: chr9-133455392-G-A. GRCh37 (hg19) VCF-style: chr9-136320514-G-A.
Other names: c.3357G>A, p.Pro1119= (NM_139025.5); c.3264G>A, p.Pro1088= (NM_139026.6).
Identifiers: ClinVar variation 3029298 (VCV003029298.2), dbSNP rs782647758, ClinGen allele CA200944032.

ClinVar aggregate classification (germline): Likely benign (0 of 4 stars; one submission).

Conditions:
ADAMTS13-related disorder. Also called: ADAMTS13-related condition.

Allele frequency attached by ClinVar (database versions not stated): ExAC 0.00001; gnomAD 0.00001; gnomAD exomes 0.00001.
gnomAD v4.1: 11 of 1,612,508 alleles (0.00068%); highest among the groups gnomAD compares: East Asian, 0.0045%; no homozygotes.

Submission:

PreventionGenetics, part of Exact Sciences
Classification: Likely benign for ADAMTS13-related condition. Last evaluated: 2022-01-25. Review status: no assertion criteria provided. Collection method: clinical testing. Allele origin: germline.
Comment: This variant is classified as likely benign based on ACMG/AMP sequence variant interpretation guidelines (Richards et al. 2015 PMID: 25741868, with internal and published modifications).